The following is an entry in ClinVar:

ClinVar aggregate classification (germline): Benign/Likely benign. Review status: criteria provided, multiple submitters, no conflicts (2 of 4 stars). 3 submissions from 3 submitters: Benign (1); Likely benign (2). Last evaluated 2026-01-16.

Conditions:
LMF1-related disorder. Also called: LMF1-related condition.

Allele frequency attached by ClinVar (database versions not stated): gnomAD exomes 0.00085; ExAC 0.00223; ESP Exome Variant Server 0.00257; gnomAD 0.00271 and 0.00285; 1000 Genomes Project 0.00319; TOPMed 0.00333; 1000 Genomes Project 30x 0.00406.
gnomAD v4.1: 883 of 1,572,652 alleles (0.056%); highest among the groups gnomAD compares: African/African-American, 0.98%; 4 homozygotes.

Submissions (3):

Labcorp Genetics (formerly Invitae), Labcorp
Classification: Benign. Last evaluated: 2026-01-16. Review status: criteria provided, single submitter. Criteria: Invitae Variant Classification Sherloc (09022015). Collection method: clinical testing. Allele origin: germline.

PreventionGenetics, part of Exact Sciences
Classification: Likely benign for LMF1-related condition. Last evaluated: 2025-08-27. Review status: criteria provided, single submitter. Criteria: ACMG Guidelines, 2015. Collection method: clinical testing. Allele origin: germline.
Comment: This variant is classified as likely benign based on ACMG/AMP sequence variant interpretation guidelines (Richards et al. 2015 PMID: 25741868, with internal and published modifications).

Blueprint Genetics
Classification: Likely benign. Last evaluated: 2024-11-04. Review status: criteria provided, single submitter. Criteria: ACMG Guidelines, 2015. Collection method: clinical testing. Allele origin: germline.

NM_022773.4(LMF1):c.1078+8G>A

Gene: LMF1 (lipase maturation factor 1; minus strand). Cytogenetic location: 16p13.3.
Variant type: single nucleotide variant.
Coding change: c.1078+8G>A on transcript NM_022773.4 (MANE Select); 8 bases into the intron after coding-DNA position 1078, G replaced by A.
Molecular consequence: intron variant.
Genome position (GRCh38, 1-based): chr16:871,153, C>T on the plus strand (G>A on the coding strand, the complement: LMF1 is on the minus strand). VCF-style: chr16-871153-C-T. GRCh37 (hg19) VCF-style: chr16-921153-C-T.
Other names: c.751+8G>A (NM_001352019.2); c.427+8G>A (NM_001352017.2, NM_001352021.2); c.679+8G>A (NM_001352018.2); c.1078+8G>A (NM_001352020.1).
Identifiers: ClinVar variation 731637 (VCV000731637.12), dbSNP rs145808372, ClinGen allele CA7797219.
Genomic context (GRCh38, chr16:871,153, plus strand): 5'-GGCTGTGGGGCTGGCACCACCCGACTTTCTCCTGCCCTTGGGCAGGGGCCCCCAGCTGAG[C>T]CACCTACCGAATCTGGGCTCGGGCCGGGCCCCTCGGATGTCCCTCTGCATCTGCAGAACT-3'